The following is an entry in ClinVar:

NM_014389.3(PELP1):c.2691AGA[3] (p.Glu908del)

Gene: PELP1 (proline, glutamate and leucine rich protein 1; minus strand). Cytogenetic location: 17p13.2.
Variant type: Microsatellite.
Coding change: c.2691AGA[3] on transcript NM_014389.3 (MANE Select); three copies in a row of the 3-base unit AGA starting at c.2691; the reference has four copies in a row; one copy, 3 bases deleted.
Protein change: p.Glu908del; deletes glutamic acid 908.
Molecular consequence: inframe deletion.
Genome position (GRCh38, 1-based): chr17:4,672,289-4,672,291, TCT deleted on the plus strand (AGA on the coding strand, the reverse complement: PELP1 is on the minus strand); deleting any 3 consecutive bases within chr17:4,672,289-4,672,302 gives the same sequence; the position shown is the placement nearest the transcript's 3' end. VCF-style (leftmost placement, unchanged base first): chr17-4672288-CTCT-C. GRCh37 (hg19) VCF-style: chr17-4575583-CTCT-C.
Other names: c.2250AGA[3], p.Glu761del (NM_001278241.2); short protein forms E761del, E908del.
Identifiers: ClinVar variation 2647268 (VCV002647268.24), dbSNP rs559608745, ClinGen allele CA8307579.

ClinVar aggregate classification (germline): Likely benign (1 of 4 stars; one submission).

Submission:

CeGaT Center for Human Genetics Tuebingen
Classification: Likely benign. Last evaluated: 2023-01-01. Review status: criteria provided, single submitter. Criteria: CeGaT Center For Human Genetics Tuebingen Variant Classification Criteria Version 2. Collection method: clinical testing. Allele origin: germline. Affected: yes. Observed: 1 variant allele.
Comment: PELP1: BS2